The following is an entry in ClinVar:

ClinVar aggregate classification (germline): Uncertain significance (1 of 4 stars; one submission).

Submission:

Ambry Genetics
Classification: Uncertain significance. Last evaluated: 2023-09-28. Review status: criteria provided, single submitter. Criteria: Ambry Variant Classification Scheme 2023. Collection method: clinical testing. Allele origin: germline.
Comment: The p.N158Y variant (also known as c.472A>T), located in coding exon 5 of the ILK gene, results from an A to T substitution at nucleotide position 472. The asparagine at codon 158 is replaced by tyrosine, an amino acid with dissimilar properties. This amino acid position is conserved. In addition, the in silico prediction for this alteration is inconclusive. Since supporting evidence is limited at this time, the clinical significance of this alteration remains unclear.

NM_004517.4(ILK):c.472A>T (p.Asn158Tyr)

Genes: ILK (integrin linked kinase; plus strand), TAF10 (TATA-box binding protein associated factor 10; minus strand). Cytogenetic location: 11p15.4.
Variant type: single nucleotide variant.
Coding change: c.472A>T on transcript NM_004517.4 (MANE Select); coding-DNA position 472, A replaced by T.
Protein change: p.Asn158Tyr; replaces asparagine 158 with tyrosine.
Molecular consequence: missense variant. On other transcripts: 3 prime UTR variant (1).
Genome position (GRCh38, 1-based): chr11:6,608,907, A>T. VCF-style: chr11-6608907-A-T. GRCh37 (hg19) VCF-style: chr11-6630138-A-T.
Other names: c.472A>T, p.Asn158Tyr (NM_001014794.3, NM_001014795.3); c.375A>T, p.Arg125Ser (NM_001278441.2); c.70A>T, p.Asn24Tyr (NM_001278442.2); c.*2015T>A (NM_006284.4); short protein forms N158Y, N24Y, R125S.
Identifiers: ClinVar variation 3224308 (VCV003224308.1), dbSNP rs2493767978, ClinGen allele CA379459688.